The following is an entry in ClinVar:

NM_001267550.2(TTN):c.41222_41223del (p.Arg13741fs)

Gene: TTN (titin; minus strand). Cytogenetic location: 2q31.2.
Variant type: Deletion.
Coding change: c.41222_41223del on transcript NM_001267550.2 (MANE Select); coding-DNA positions 41222 to 41223, 2 bases deleted (GA; older notation c.41222_41223delGA).
Protein change: p.Arg13741fs; shifts the reading frame from arginine 13741.
Molecular consequence: frameshift variant.
Genome position (GRCh38, 1-based): chr2:178,636,504-178,636,505, TC deleted on the plus strand (GA on the coding strand, the reverse complement: TTN is on the minus strand); deleting any 2 consecutive bases within chr2:178,636,504-178,636,506 gives the same sequence; the c. name uses the placement nearest the transcript's 3' end. VCF-style (leftmost placement, unchanged base first): chr2-178636503-TTC-T. GRCh37 (hg19) VCF-style: chr2-179501230-TTC-T.
Other names: c.36299_36300del, p.Arg12100fs (NM_001256850.1); c.14027_14028del, p.Arg4676fs (NM_003319.4); c.33518_33519del, p.Arg11173fs (NM_133378.4); c.14402_14403del, p.Arg4801fs (NM_133432.3); c.14603_14604del, p.Arg4868fs (NM_133437.4); c.41222_41223delGA (NM_001267550.2); c.14027_14028delGA (NM_003319.4); short protein forms R13741fs, R4676fs, R4801fs, R11173fs, R4868fs, R12100fs.
Identifiers: ClinVar variation 534997 (VCV000534997.9), dbSNP rs1436937190, ClinGen allele CA538436068.
Genomic context (GRCh38, chr2:178,636,503, plus strand): 5'-AACGTAAAACACAGGTGTATTCACCAGCATCGGAAAGTTGAACATCAATGATGTGCAGCT[TTC>T]TGTCTTTACCATCTGCAATAAACCTGTGCTTGGGACTCTCACGGATATTGCTACCGTCTT-3'

ClinVar aggregate classification (germline): Likely pathogenic. Review status: criteria provided, multiple submitters, no conflicts (2 of 4 stars). 2 submissions from 2 submitters: Likely pathogenic (2). Last evaluated 2024-11-04.

Conditions:
Cardiovascular phenotype. Identifiers: MedGen CN230736.
Autosomal recessive limb-girdle muscular dystrophy type 2J (LGMDR10). Also called: Limb-girdle muscular dystrophy, type 2J; MUSCULAR DYSTROPHY, LIMB-GIRDLE, AUTOSOMAL RECESSIVE 10. Identifiers: Orphanet 140922, MedGen C1837342, MONDO:0012127, OMIM 608807.
Dilated cardiomyopathy 1G (CMD1G). Identifiers: Orphanet 154, MedGen C1858763, MONDO:0011400, OMIM 604145.

Submissions (2):

Labcorp Genetics (formerly Invitae), Labcorp
Classification: Likely pathogenic for Dilated cardiomyopathy 1G; Autosomal recessive limb-girdle muscular dystrophy type 2J. Last evaluated: 2024-11-04. Review status: criteria provided, single submitter. Criteria: Invitae Variant Classification Sherloc (09022015). Collection method: clinical testing. Allele origin: germline.
Comment: This sequence change creates a premature translational stop signal (p.Arg13741Lysfs*6) in the TTN gene. While this is not anticipated to result in nonsense mediated decay, it is expected to create a truncated TTN protein. This variant is present in population databases (no rsID available, gnomAD 0.004%). This variant has not been observed in the literature in individuals with autosomal recessive TTN-related conditions. This variant has been reported in individual(s) with dilated cardiomyopathy (internal data); however, the role of the variant in this condition is currently unclear. ClinVar contains an entry for this variant (Variation ID: 534997). This variant is located in the I band of TTN (PMID: 25589632). Truncating variants in this region have been reported in individuals affected with autosomal recessive centronuclear myopathy (PMID: 23975875, internal data). Truncating variants in this region have also been identified in individuals affected with autosomal dominant dilated cardiomyopathy and/or cardio-related conditions (PMID: 27869827, 32964742, internal data). In summary, the currently available evidence indicates that the variant is pathogenic, but additional data are needed to prove that conclusively. Therefore, this variant has been classified as Likely Pathogenic.

Ambry Genetics
Classification: Likely pathogenic for Cardiovascular phenotype. Last evaluated: 2022-06-16. Review status: criteria provided, single submitter. Criteria: Ambry Variant Classification Scheme 2023. Collection method: clinical testing. Allele origin: germline.
Comment: The c.14027_14028delGA variant, located in coding exon 52 of the TTN gene, results from a deletion of two nucleotides at nucleotide positions 14027 to 14028, causing a translational frameshift with a predicted alternate stop codon (p.R4676Kfs*6). This exon is located in the I-band region of the N2-B isoform of the titin protein and is constitutively expressed in TTN transcripts (percent spliced in or PSI 100%). This alteration is expected to result in loss of function by premature protein truncation or nonsense-mediated mRNA decay. While truncating variants in TTN are present in 1-3% of the general population, truncating variants in the A-band are the most common cause of dilated cardiomyopathy (DCM) (Herman DS et al. N. Engl. J. Med., 2012 Feb;366:619-28; Roberts AM et al. Sci Transl Med, 2015 Jan;7:270ra6). TTN truncating variants encoded in constitutive exons (PSI >90%) have been found to be significantly associated with DCM regardless of their position in titin (Schafer S et al. Nat. Genet., 2017 01;49:46-53). As such, this alteration is classified as likely pathogenic.

Literature cited by the submitters: PubMed 25589632 (cited by Labcorp Genetics (formerly Invitae), Labcorp); PubMed 23975875 (cited by Labcorp Genetics (formerly Invitae), Labcorp); PubMed 27869827 (cited by Labcorp Genetics (formerly Invitae), Labcorp); PubMed 32964742 (cited by Labcorp Genetics (formerly Invitae), Labcorp).